The following is an entry in ClinVar:

ClinVar aggregate classification (germline): Uncertain significance. Review status: criteria provided, multiple submitters, no conflicts (2 of 4 stars). 2 submissions from 2 submitters: Uncertain significance (2). Last evaluated 2024-04-26.

Allele frequency attached by ClinVar (database versions not stated): gnomAD exomes below 0.00001 and 0.00001; gnomAD 0.00003 and 0.00004; TOPMed 0.00008.
gnomAD v4.1: 6 of 1,573,024 alleles (0.00038%); highest among the groups gnomAD compares: African/African-American, 0.0081%; no homozygotes.

Submissions (2):

Ambry Genetics
Classification: Uncertain significance. Last evaluated: 2024-04-26. Review status: criteria provided, single submitter. Criteria: Ambry Variant Classification Scheme 2023. Collection method: clinical testing. Allele origin: germline.

Labcorp Genetics (formerly Invitae), Labcorp
Classification: Uncertain significance. Last evaluated: 2021-09-17. Review status: criteria provided, single submitter. Criteria: Invitae Variant Classification Sherloc (09022015). Collection method: clinical testing. Allele origin: germline.
Comment: In summary, the available evidence is currently insufficient to determine the role of this variant in disease. Therefore, it has been classified as a Variant of Uncertain Significance. Algorithms developed to predict the effect of missense changes on protein structure and function (SIFT, PolyPhen-2, Align-GVGD) all suggest that this variant is likely to be disruptive. This variant has not been reported in the literature in individuals affected with NDUFA11-related conditions. This variant is not present in population databases (ExAC no frequency). This sequence change replaces glycine with cysteine at codon 98 of the NDUFA11 protein (p.Gly98Cys). The glycine residue is highly conserved and there is a large physicochemical difference between glycine and cysteine.

NM_175614.5(NDUFA11):c.292G>T (p.Gly98Cys)

Gene: NDUFA11 (NADH:ubiquinone oxidoreductase subunit A11; minus strand). Cytogenetic location: 19p13.3.
Variant type: single nucleotide variant.
Coding change: c.292G>T on transcript NM_175614.5 (MANE Select); coding-DNA position 292, G replaced by T.
Protein change: p.Gly98Cys; replaces glycine 98 with cysteine.
Molecular consequence: missense variant. On other transcripts: non-coding transcript variant (1).
Genome position (GRCh38, 1-based): chr19:5,896,474, C>A on the plus strand (G>T on the coding strand, the complement: NDUFA11 is on the minus strand). VCF-style: chr19-5896474-C-A. GRCh37 (hg19) VCF-style: chr19-5896485-C-A.
Other names: c.292G>T (NM_001193375.1); c.292G>T, p.Gly98Cys (NM_001193375.3); short protein forms G98C.
Identifiers: ClinVar variation 1402760 (VCV001402760.7), dbSNP rs909115934, ClinGen allele CA304693559.